The following is an entry in ClinVar:

ClinVar aggregate classification (germline): Conflicting classifications of pathogenicity. Review status: criteria provided, conflicting classifications (1 of 4 stars). 2 submissions from 2 submitters: Uncertain significance (1); Likely benign (1). Last evaluated 2026-06-11.

Conditions:
Hereditary cancer-predisposing syndrome. Also called: Hereditary Cancer Syndrome; Neoplastic Syndromes, Hereditary; Hereditary neoplastic syndrome; Tumor predisposition. Identifiers: Orphanet 140162, MedGen C0027672, MeSH D009386, MONDO:0015356.
Hereditary diffuse gastric adenocarcinoma (HDGC). Also called: DIFFUSE GASTRIC AND LOBULAR BREAST CANCER SYNDROME. Identifiers: Orphanet 26106, MedGen C1708349, MONDO:0007648, OMIM 137215.

Submissions (2):

Ambry Genetics
Classification: Likely benign for Hereditary cancer-predisposing syndrome. Last evaluated: 2026-06-11. Review status: criteria provided, single submitter. Criteria: Ambry Variant Classification Scheme 2023. Collection method: clinical testing. Allele origin: germline.

Labcorp Genetics (formerly Invitae), Labcorp
Classification: Uncertain significance for Hereditary diffuse gastric adenocarcinoma. Last evaluated: 2022-09-01. Review status: criteria provided, single submitter. Criteria: Invitae Variant Classification Sherloc (09022015). Collection method: clinical testing. Allele origin: germline.
Comment: This sequence change replaces threonine, which is neutral and polar, with alanine, which is neutral and non-polar, at codon 360 of the CDH1 protein (p.Thr360Ala). This variant is not present in population databases (gnomAD no frequency). This variant has not been reported in the literature in individuals affected with CDH1-related conditions. Algorithms developed to predict the effect of missense changes on protein structure and function (SIFT, PolyPhen-2, Align-GVGD) all suggest that this variant is likely to be tolerated. In summary, the available evidence is currently insufficient to determine the role of this variant in disease. Therefore, it has been classified as a Variant of Uncertain Significance.

NM_004360.5(CDH1):c.1078A>G (p.Thr360Ala)

Gene: CDH1 (cadherin 1; plus strand). Cytogenetic location: 16q22.1.
Variant type: single nucleotide variant.
Coding change: c.1078A>G on transcript NM_004360.5 (MANE Select); coding-DNA position 1078, A replaced by G.
Protein change: p.Thr360Ala; replaces threonine 360 with alanine.
Molecular consequence: missense variant. On other transcripts: 5 prime UTR variant (2).
Genome position (GRCh38, 1-based): chr16:68,812,204, A>G. VCF-style: chr16-68812204-A-G. GRCh37 (hg19) VCF-style: chr16-68846107-A-G.
Other names: c.1078A>G, p.Thr360Ala (NM_001317184.2); c.-538A>G (NM_001317185.2); c.-742A>G (NM_001317186.2); short protein forms T360A.
Identifiers: ClinVar variation 1718622 (VCV001718622.8), dbSNP rs2152132617, ClinGen allele CA396460059.